The following is an entry in ClinVar:

ClinVar aggregate classification (germline): Uncertain significance. Review status: criteria provided, multiple submitters, no conflicts (2 of 4 stars). 2 submissions from 2 submitters: Uncertain significance (2). Last evaluated 2021-11-15.

Conditions:
Inborn genetic diseases. Identifiers: MedGen C0950123, MeSH D030342.

Allele frequency attached by ClinVar (database versions not stated): gnomAD exomes below 0.00001 and 0.00003; TOPMed 0.00001; gnomAD 0.00003 and 0.00004.
gnomAD v4.1: 46 of 1,614,062 alleles (0.0028%); highest among the groups gnomAD compares: African/African-American, 0.004%; no homozygotes.

Submissions (2):

Ambry Genetics
Classification: Uncertain significance for Inborn genetic diseases. Last evaluated: 2021-11-15. Review status: criteria provided, single submitter. Criteria: Ambry Variant Classification Scheme 2023. Collection method: clinical testing. Allele origin: germline.

Labcorp Genetics (formerly Invitae), Labcorp
Classification: Uncertain significance. Last evaluated: 2021-06-25. Review status: criteria provided, single submitter. Criteria: Invitae Variant Classification Sherloc (09022015). Collection method: clinical testing. Allele origin: germline.
Comment: Advanced modeling of protein sequence and biophysical properties (such as structural, functional, and spatial information, amino acid conservation, physicochemical variation, residue mobility, and thermodynamic stability) performed at Invitae indicates that this missense variant is not expected to disrupt INSR protein function. In summary, the available evidence is currently insufficient to determine the role of this variant in disease. Therefore, it has been classified as a Variant of Uncertain Significance. This variant has not been reported in the literature in individuals affected with INSR-related conditions. This sequence change replaces lysine with arginine at codon 193 of the INSR protein (p.Lys193Arg). The lysine residue is moderately conserved and there is a small physicochemical difference between lysine and arginine. This variant is not present in population databases (ExAC no frequency).

NM_000208.4(INSR):c.578A>G (p.Lys193Arg)

Gene: INSR (insulin receptor; minus strand). Cytogenetic location: 19p13.2.
Variant type: single nucleotide variant.
Coding change: c.578A>G on transcript NM_000208.4 (MANE Select); coding-DNA position 578, A replaced by G.
Protein change: p.Lys193Arg; replaces lysine 193 with arginine.
Molecular consequence: missense variant.
Genome position (GRCh38, 1-based): chr19:7,267,419, T>C on the plus strand (A>G on the coding strand, the complement: INSR is on the minus strand). VCF-style: chr19-7267419-T-C. GRCh37 (hg19) VCF-style: chr19-7267430-T-C.
Other names: c.578A>G, p.Lys193Arg (NM_001079817.3); c.578A>G (NM_000208.2); short protein forms K193R.
Identifiers: ClinVar variation 1473209 (VCV001473209.9), dbSNP rs1365559678, ClinGen allele CA403159164.
Genomic context (GRCh38, chr19:7,267,419, plus strand): 5'-CTATGAGTCCAACATCGTTCGACAAACTGCCCGTTGATGACGGTGGCGGGGCAGTTGGTC[T>C]TGCCCTTCGCGGTACCCGGACAGATGTCTCCACACTCCTCGTTGTCATCTTTGTTCAACA-3'
Protein context (NP_000199.2, residues 183-203): GDICPGTAKG[Lys193Arg]TNCPATVING